The following is an entry in ClinVar:

NM_000059.4(BRCA2):c.8618T>G (p.Phe2873Cys)

Gene: BRCA2 (BRCA2 DNA repair associated; plus strand). Cytogenetic location: 13q13.1.
Variant type: single nucleotide variant.
Coding change: c.8618T>G on transcript NM_000059.4 (MANE Select); coding-DNA position 8618, T replaced by G.
Protein change: p.Phe2873Cys; replaces phenylalanine 2873 with cysteine.
Molecular consequence: missense variant.
Genome position (GRCh38, 1-based): chr13:32,371,086, T>G. VCF-style: chr13-32371086-T-G. GRCh37 (hg19) VCF-style: chr13-32945223-T-G.
Other names: short protein forms F2873C.
Identifiers: ClinVar variation 52634 (VCV000052634.12), dbSNP rs80359120, ClinGen allele CA025735.

ClinVar aggregate classification (germline): Uncertain significance. Review status: criteria provided, multiple submitters, no conflicts (2 of 4 stars). 3 submissions from 3 submitters: Uncertain significance (2). 1 of the submissions does not count toward it. Last evaluated 2024-09-27.

Conditions:
Hereditary cancer-predisposing syndrome. Also called: Neoplastic Syndromes, Hereditary; Tumor predisposition; Hereditary neoplastic syndrome; Hereditary Cancer Syndrome. Identifiers: Orphanet 140162, MedGen C0027672, MeSH D009386, MONDO:0015356.
Hereditary breast ovarian cancer syndrome. Also called: Hereditary breast and ovarian cancer syndrome; Hereditary breast and ovarian cancer; Hereditary breast and ovarian cancer syndrome (HBOC); Breast and ovarian cancer; Hereditary breast and/or ovarian cancer syndrome; BRCA1- and BRCA2-Associated Hereditary Breast and Ovarian Cancer. Identifiers: Orphanet 145, MedGen C0677776, MeSH D061325, MONDO:0003582. Disease mechanism: loss of function.
Breast-ovarian cancer, familial, susceptibility to, 2 (BROVCA2). Also called: BRCA2 Hereditary Breast and Ovarian Cancer. Identifiers: Orphanet 145, MedGen C2675520, MONDO:0012933, OMIM 612555. Disease mechanism: loss of function.

Allele frequency attached by ClinVar (database versions not stated): gnomAD exomes below 0.00001.
gnomAD v4.1: 1 of 1,613,988 alleles (0.000062%); highest among the groups gnomAD compares: African/African-American, 0.0013%; no homozygotes.

Submissions (3):

Ambry Genetics
Classification: Uncertain significance for Hereditary cancer-predisposing syndrome. Last evaluated: 2024-09-27. Review status: criteria provided, single submitter. Criteria: Ambry Variant Classification Scheme 2023. Collection method: clinical testing. Allele origin: germline.
Comment: The p.F2873C variant (also known as c.8618T>G), located in coding exon 19 of the BRCA2 gene, results from a T to G substitution at nucleotide position 8618. The phenylalanine at codon 2873 is replaced by cysteine, an amino acid with highly dissimilar properties. This amino acid position is not well conserved in available vertebrate species. In addition, the in silico prediction for this alteration is inconclusive. Based on the available evidence, the clinical significance of this variant remains unclear.

Labcorp Genetics (formerly Invitae), Labcorp
Classification: Uncertain significance for Hereditary breast ovarian cancer syndrome. Last evaluated: 2019-08-30. Review status: criteria provided, single submitter. Criteria: Invitae Variant Classification Sherloc (09022015). Collection method: clinical testing. Allele origin: germline.
Comment: This sequence change replaces phenylalanine with cysteine at codon 2873 of the BRCA2 protein (p.Phe2873Cys). The phenylalanine residue is highly conserved and there is a large physicochemical difference between phenylalanine and cysteine. In summary, the available evidence is currently insufficient to determine the role of this variant in disease. Therefore, it has been classified as a Variant of Uncertain Significance. This variant has been reported not to substantially affect BRCA2 protein function (PMID: 29394989). This variant has not been reported in the literature in individuals with BRCA2-related conditions. ClinVar contains an entry for this variant (Variation ID: 52634). This variant is not present in population databases (ExAC no frequency).

Breast Cancer Information Core (BIC) (BRCA2)
Classification: Uncertain significance for Breast-ovarian cancer, familial 2. Last evaluated: 2004-02-20. Review status: no assertion criteria provided. Collection method: clinical testing. Allele origin: germline. Affected: yes. Observed: 2 variant alleles. Not counted in ClinVar's aggregate classification.

Literature cited by the submitters: PubMed 29394989 (cited by Labcorp Genetics (formerly Invitae), Labcorp).